The following is an entry in ClinVar:

ClinVar aggregate classification (germline): Uncertain significance (1 of 4 stars; one submission).

Conditions:
Cardiovascular phenotype. Identifiers: MedGen CN230736.

Submission:

Ambry Genetics
Classification: Uncertain significance for Cardiovascular phenotype. Last evaluated: 2022-05-02. Review status: criteria provided, single submitter. Criteria: Ambry Variant Classification Scheme 2023. Collection method: clinical testing. Allele origin: germline.
Comment: The p.E31V variant (also known as c.92A>T), located in coding exon 2 of the GPIHBP1 gene, results from an A to T substitution at nucleotide position 92. The glutamic acid at codon 31 is replaced by valine, an amino acid with dissimilar properties. This amino acid position is conserved. In addition, this alteration is predicted to be tolerated by in silico analysis. Since supporting evidence is limited at this time, the clinical significance of this alteration remains unclear.

NM_178172.6(GPIHBP1):c.92A>T (p.Glu31Val)

Gene: GPIHBP1 (glycosylphosphatidylinositol anchored high density lipoprotein binding protein 1; plus strand). Cytogenetic location: 8q24.3.
Variant type: single nucleotide variant.
Coding change: c.92A>T on transcript NM_178172.6 (MANE Select); coding-DNA position 92, A replaced by T.
Protein change: p.Glu31Val; replaces glutamic acid 31 with valine.
Molecular consequence: missense variant.
Genome position (GRCh38, 1-based): chr8:143,213,861, A>T. VCF-style: chr8-143213861-A-T. GRCh37 (hg19) VCF-style: chr8-144295736-A-T.
Other names: c.92A>T, p.Glu31Val (NM_001301772.2); short protein forms E31V.
Identifiers: ClinVar variation 1766476 (VCV001766476.2), dbSNP rs2488907717, ClinGen allele CA372401722.